The following is an entry in ClinVar:

ClinVar aggregate classification (germline): Uncertain significance (1 of 4 stars; one submission).

Conditions:
Polydactyly-macrocephaly syndrome (PDMCS). Identifiers: MedGen C5882754, MONDO:0958227, OMIM 620712.
Pheochromocytoma. Also called: MAX-Related Hereditary Paraganglioma-Pheochromocytoma Syndrome. Identifiers: Orphanet 29072, MedGen C0031511, MONDO:0008233, OMIM 171300, HP:0002666.

Submission:

Juno Genomics, Hangzhou Juno Genomics, Inc
Classification: Uncertain significance for Polydactyly-macrocephaly syndrome; Pheochromocytoma. Review status: criteria provided, single submitter. Criteria: ACMG Guidelines, 2015. Collection method: clinical testing. Allele origin: germline.
Comment: Absent from controls (or at extremely low frequency if recessive) in Genome Aggregation Database.;Multiple lines of computational evidence support a deleterious effect on the gene or gene product.

NM_002382.5(MAX):c.455G>C (p.Arg152Thr)

Gene: MAX (MYC associated transcriptional regulator X; minus strand). Cytogenetic location: 14q23.3.
Variant type: single nucleotide variant.
Coding change: c.455G>C on transcript NM_002382.5 (MANE Select); coding-DNA position 455, G replaced by C.
Protein change: p.Arg152Thr; replaces arginine 152 with threonine.
Molecular consequence: missense variant. On other transcripts: 3 prime UTR variant (12), non-coding transcript variant (7), intron variant (2).
Genome position (GRCh38, 1-based): chr14:65,076,504, C>G on the plus strand (G>C on the coding strand, the complement: MAX is on the minus strand). VCF-style: chr14-65076504-C-G. GRCh37 (hg19) VCF-style: chr14-65543222-C-G.
Other names: c.266G>C, p.Arg89Thr (NM_001320415.2, NM_001407105.1, NM_001407106.1 and 1 more transcripts); c.455G>C, p.Arg152Thr (NM_001407094.1); c.428G>C, p.Arg143Thr (NM_001407095.1, NM_145112.3); c.*228G>C (NM_001407096.1, NM_001407099.1, NM_001407102.1 and 2 more transcripts); c.*244G>C (NM_001407097.1, NM_001407100.1, NM_001407101.1 and 4 more transcripts); c.347G>C, p.Arg116Thr (NM_001407098.1); c.254G>C, p.Arg85Thr (NM_001407111.1, NM_001407112.1); c.144+17204G>C (NM_001271069.2); and 1 more; short protein forms R85T, R89T, R152T, R116T, R143T.
Identifiers: ClinVar variation 5005338 (VCV005005338.2).